The following is an entry in ClinVar:

NM_182476.3(COQ6):c.1094+9A>G

Genes: COQ6 (coenzyme Q6, monooxygenase; plus strand), ENTPD5 (ectonucleoside triphosphate diphosphohydrolase 5; minus strand). Cytogenetic location: 14q24.3.
Variant type: single nucleotide variant.
Coding change: c.1094+9A>G on transcript NM_182476.3 (MANE Select); 9 bases into the intron after coding-DNA position 1094, A replaced by G.
Molecular consequence: intron variant. On other transcripts: 3 prime UTR variant (1).
Genome position (GRCh38, 1-based): chr14:73,961,384, A>G. VCF-style: chr14-73961384-A-G. GRCh37 (hg19) VCF-style: chr14-74428087-A-G.
Other names: c.*149T>C (NM_001321984.2); c.911+9A>G (NM_001425258.1); c.869+9A>G (NM_001425259.1, NM_001425261.1, NM_001425260.1); c.1019+9A>G (NM_182480.3); c.767+9A>G (NM_001425263.1); c.1094+9A>G (NM_001425255.1); c.986+9A>G (NM_001425256.1); c.554+9A>G (NM_001425265.1, NM_001425264.1); and 5 more.
Identifiers: ClinVar variation 1497200 (VCV001497200.6), dbSNP rs375153689, ClinGen allele CA7264436.

ClinVar aggregate classification (germline): Uncertain significance (1 of 4 stars; one submission).

Allele frequency attached by ClinVar (database versions not stated): ExAC 0.00002; ESP Exome Variant Server 0.00008; gnomAD 0.00009 and 0.00007; gnomAD exomes 0.00001 and 0.00002; TOPMed 0.00008.
gnomAD v4.1: 22 of 1,614,038 alleles (0.0014%); highest among the groups gnomAD compares: African/African-American, 0.016%; no homozygotes.

Submission:

Labcorp Genetics (formerly Invitae), Labcorp
Classification: Uncertain significance. Last evaluated: 2021-11-22. Review status: criteria provided, single submitter. Criteria: Invitae Variant Classification Sherloc (09022015). Collection method: clinical testing. Allele origin: germline.
Comment: This variant is present in population databases (rs375153689, gnomAD 0.02%). This sequence change falls in intron 9 of the COQ6 gene. It does not directly change the encoded amino acid sequence of the COQ6 protein. This variant has not been reported in the literature in individuals affected with COQ6-related conditions. Algorithms developed to predict the effect of sequence changes on RNA splicing suggest that this variant may create or strengthen a splice site. In summary, the available evidence is currently insufficient to determine the role of this variant in disease. Therefore, it has been classified as a Variant of Uncertain Significance.